The following is an entry in ClinVar:

NM_001563.4(IMPG1):c.31G>A (p.Val11Ile)

Gene: IMPG1 (interphotoreceptor matrix proteoglycan 1; minus strand). Cytogenetic location: 6q14.1.
Variant type: single nucleotide variant.
Coding change: c.31G>A on transcript NM_001563.4 (MANE Select); coding-DNA position 31, G replaced by A.
Protein change: p.Val11Ile; replaces valine 11 with isoleucine.
Molecular consequence: missense variant.
Genome position (GRCh38, 1-based): chr6:76,072,458, C>T on the plus strand (G>A on the coding strand, the complement: IMPG1 is on the minus strand). VCF-style: chr6-76072458-C-T. GRCh37 (hg19) VCF-style: chr6-76782175-C-T.
Other names: c.31G>A, p.Val11Ile (NM_001282368.2); short protein forms V11I.
Identifiers: ClinVar variation 2125029 (VCV002125029.4), dbSNP rs1420070418, ClinGen allele CA364830752.

ClinVar aggregate classification (germline): Uncertain significance (1 of 4 stars; one submission).

Submission:

Labcorp Genetics (formerly Invitae), Labcorp
Classification: Uncertain significance. Last evaluated: 2022-04-12. Review status: criteria provided, single submitter. Criteria: Invitae Variant Classification Sherloc (09022015). Collection method: clinical testing. Allele origin: germline.
Comment: In summary, the available evidence is currently insufficient to determine the role of this variant in disease. Therefore, it has been classified as a Variant of Uncertain Significance. Algorithms developed to predict the effect of missense changes on protein structure and function output the following: SIFT: "Tolerated"; PolyPhen-2: "Benign"; Align-GVGD: "Class C0". The isoleucine amino acid residue is found in multiple mammalian species, which suggests that this missense change does not adversely affect protein function. This variant has not been reported in the literature in individuals affected with IMPG1-related conditions. This variant is not present in population databases (gnomAD no frequency). This sequence change replaces valine, which is neutral and non-polar, with isoleucine, which is neutral and non-polar, at codon 11 of the IMPG1 protein (p.Val11Ile).